The following is an entry in ClinVar:

ClinVar aggregate classification (germline): Uncertain significance (1 of 4 stars; one submission).

Conditions:
Cardiovascular phenotype. Identifiers: MedGen CN230736.

Allele frequency attached by ClinVar (database versions not stated): gnomAD exomes 0.00001.
gnomAD v4.1: 8 of 1,614,186 alleles (0.0005%); highest among the groups gnomAD compares: Non-Finnish European, 0.00068%; no homozygotes.

Submission:

Ambry Genetics
Classification: Uncertain significance for Cardiovascular phenotype. Last evaluated: 2022-01-17. Review status: criteria provided, single submitter. Criteria: Ambry Variant Classification Scheme 2023. Collection method: clinical testing. Allele origin: germline.
Comment: The p.G1389V variant (also known as c.4166G>T), located in coding exon 24 of the FLNC gene, results from a G to T substitution at nucleotide position 4166. The glycine at codon 1389 is replaced by valine, an amino acid with dissimilar properties. This amino acid position is conserved. In addition, this alteration is predicted to be deleterious by in silico analysis. Since supporting evidence is limited at this time, the clinical significance of this alteration remains unclear.

NM_001458.5(FLNC):c.4166G>T (p.Gly1389Val)

Gene: FLNC (filamin C; plus strand). Cytogenetic location: 7q32.1.
Variant type: single nucleotide variant.
Coding change: c.4166G>T on transcript NM_001458.5 (MANE Select); coding-DNA position 4166, G replaced by T.
Protein change: p.Gly1389Val; replaces glycine 1389 with valine.
Molecular consequence: missense variant.
Genome position (GRCh38, 1-based): chr7:128,846,783, G>T. VCF-style: chr7-128846783-G-T. GRCh37 (hg19) VCF-style: chr7-128486837-G-T.
Other names: c.4166G>T, p.Gly1389Val (NM_001127487.2); short protein forms G1389V.
Identifiers: ClinVar variation 1738375 (VCV001738375.2), dbSNP rs2536643548, ClinGen allele CA369200471.